The following is an entry in ClinVar:

ClinVar aggregate classification (germline): Uncertain significance. Review status: criteria provided, multiple submitters, no conflicts (2 of 4 stars). 4 submissions from 4 submitters: Uncertain significance (4). Last evaluated 2025-07-23.

Conditions:
Inborn genetic diseases. Identifiers: MedGen C0950123, MeSH D030342.

Allele frequency attached by ClinVar (database versions not stated): gnomAD 0.00003 and 0.00004; gnomAD exomes 0.00003 and 0.00004; TOPMed 0.00003; ExAC 0.00005; ESP Exome Variant Server 0.00015.
gnomAD v4.1: 62 of 1,613,876 alleles (0.0038%); highest among the groups gnomAD compares: Admixed American, 0.0067%; no homozygotes.

Submissions (4):

Women's Health and Genetics/Laboratory Corporation of America, LabCorp
Classification: Uncertain significance. Last evaluated: 2025-07-23. Review status: criteria provided, single submitter. Criteria: LabCorp Variant Classification Summary - May 2015. Collection method: clinical testing. Allele origin: germline.
Comment: Variant summary: HPS3 c.1022G>A (p.Ser341Asn) results in a conservative amino acid change in the encoded protein sequence. Algorithms developed to predict the effect of missense changes on protein structure and function all suggest that this variant is likely to be tolerated. The variant allele was found at a frequency of 2.8e-05 in 251376 control chromosomes. The available data on variant occurrences in the general population are insufficient to allow any conclusion about variant significance. To our knowledge, no occurrence of c.1022G>A in individuals affected with Hermansky-Pudlak Syndrome and no experimental evidence demonstrating its impact on protein function have been reported. ClinVar contains an entry for this variant (Variation ID: 1407305). Based on the evidence outlined above, the variant was classified as uncertain significance.

Ambry Genetics
Classification: Uncertain significance for Inborn genetic diseases. Last evaluated: 2025-01-26. Review status: criteria provided, single submitter. Criteria: Ambry Variant Classification Scheme 2023. Collection method: clinical testing. Allele origin: germline.

GeneDx
Classification: Uncertain significance. Last evaluated: 2023-05-06. Review status: criteria provided, single submitter. Criteria: GeneDx Variant Classification Process June 2021. Collection method: clinical testing. Allele origin: germline. Affected: yes.
Comment: In silico analysis supports that this missense variant does not alter protein structure/function; Has not been previously published as pathogenic or benign to our knowledge

Labcorp Genetics (formerly Invitae), Labcorp
Classification: Uncertain significance. Last evaluated: 2022-08-19. Review status: criteria provided, single submitter. Criteria: Invitae Variant Classification Sherloc (09022015). Collection method: clinical testing. Allele origin: germline.
Comment: This sequence change replaces serine, which is neutral and polar, with asparagine, which is neutral and polar, at codon 341 of the HPS3 protein (p.Ser341Asn). This variant is present in population databases (rs138254267, gnomAD 0.006%). This variant has not been reported in the literature in individuals affected with HPS3-related conditions. ClinVar contains an entry for this variant (Variation ID: 1407305). Algorithms developed to predict the effect of missense changes on protein structure and function output the following: SIFT: "Tolerated"; PolyPhen-2: "Benign"; Align-GVGD: "Class C0". The asparagine amino acid residue is found in multiple mammalian species, which suggests that this missense change does not adversely affect protein function. In summary, the available evidence is currently insufficient to determine the role of this variant in disease. Therefore, it has been classified as a Variant of Uncertain Significance.

NM_032383.5(HPS3):c.1022G>A (p.Ser341Asn)

Gene: HPS3 (HPS3 biogenesis of lysosomal organelles complex 2 subunit 1; plus strand). Cytogenetic location: 3q24.
Variant type: single nucleotide variant.
Coding change: c.1022G>A on transcript NM_032383.5 (MANE Select); coding-DNA position 1022, G replaced by A.
Protein change: p.Ser341Asn; replaces serine 341 with asparagine.
Molecular consequence: missense variant.
Genome position (GRCh38, 1-based): chr3:149,145,405, G>A. VCF-style: chr3-149145405-G-A. GRCh37 (hg19) VCF-style: chr3-148863192-G-A.
Other names: c.1022G>A (NM_032383.3); c.527G>A, p.Ser176Asn (NM_001308258.2); short protein forms S341N, S176N.
Identifiers: ClinVar variation 1407305 (VCV001407305.7), dbSNP rs138254267, ClinGen allele CA2659983.